The following is an entry in ClinVar:

ClinVar aggregate classification (germline): Conflicting classifications of pathogenicity. Review status: criteria provided, conflicting classifications (1 of 4 stars). 2 submissions from 1 submitter: Uncertain significance (1); Likely benign (1). Last evaluated 2018-01-12.

Conditions:
Spherocytosis. Identifiers: MedGen C0553720, HP:0004444.
Hereditary spherocytosis type 1. Also called: Spherocytosis type 1; ANK1-Related Spherocytosis. Identifiers: Orphanet 822, MedGen C2674218, MONDO:0008447, OMIM 182900.

Allele frequency attached by ClinVar (database versions not stated): TOPMed 0.00005; gnomAD 0.00008 and 0.00015; 1000 Genomes Project 30x 0.00031; 1000 Genomes Project 0.00040.

Submissions (2):

Illumina Laboratory Services, Illumina
Classification: Likely benign for Hereditary spherocytosis type 1. Last evaluated: 2018-01-12. Review status: criteria provided, single submitter. Criteria: ICSL Variant Classification Criteria 13 December 2019. Collection method: clinical testing. Allele origin: germline.
Comment: This variant was observed in the ICSL laboratory as part of a predisposition screen in an ostensibly healthy population. It had not been previously curated by ICSL or reported in the Human Gene Mutation Database (HGMD: prior to June 1st, 2018), and was therefore a candidate for classification through an automated scoring system. Utilizing variant allele frequency, disease prevalence and penetrance estimates, and inheritance mode, an automated score was calculated to assess if this variant is too frequent to cause the disease. Based on the score and internal cut-off values, a variant classified as likely benign is not then subjected to further curation. The score for this variant resulted in a classification of likely benign for this disease.

Illumina Laboratory Services, Illumina
Classification: Uncertain significance for Spherocytosis. Last evaluated: 2018-01-12. Review status: criteria provided, single submitter. Criteria: ICSL Variant Classification Criteria 13 December 2019. Collection method: clinical testing. Allele origin: germline.

NM_000037.4(ANK1):c.*857C>A

Gene: ANK1 (ankyrin 1; minus strand). Cytogenetic location: 8p11.21.
Variant type: single nucleotide variant.
Coding change: c.*857C>A on transcript NM_000037.4 (MANE Select); 857 bases downstream of the stop codon, C replaced by A.
Molecular consequence: 3 prime UTR variant.
Genome position (GRCh38, 1-based): chr8:41,654,933, G>T on the plus strand (C>A on the coding strand, the complement: ANK1 is on the minus strand). VCF-style: chr8-41654933-G-T. GRCh37 (hg19) VCF-style: chr8-41512452-G-T.
Other names: c.*794C>A (NM_001142445.2, NM_001142446.2, NM_020475.3 and 3 more transcripts); c.*857C>A (NM_020478.5).
Identifiers: ClinVar variation 909619 (VCV000909619.4), dbSNP rs138767348, ClinGen allele CA175910128.
Genomic context (GRCh38, chr8:41,654,933, plus strand): 5'-GACCCTTTCAGATGGGGTCCTGGCTCCCTTTGAGTCCTACAGGTAAGCCTGGGGGTCCTC[G>T]CCTCAGATTCTTAAGTCCCTAACACAAGGAACCCCGAATGCACTCTTCAAGGTAATGATT-3'